The following is an entry in ClinVar:

NM_000553.6(WRN):c.246C>T (p.Asp82=)

Gene: WRN (WRN RecQ like helicase; plus strand). Cytogenetic location: 8p12.
Variant type: single nucleotide variant.
Coding change: c.246C>T on transcript NM_000553.6 (MANE Select); coding-DNA position 246, C replaced by T.
Protein change: p.Asp82=; no amino-acid change (aspartic acid 82 retained).
Molecular consequence: synonymous variant.
Genome position (GRCh38, 1-based): chr8:31,064,325, C>T. VCF-style: chr8-31064325-C-T. GRCh37 (hg19) VCF-style: chr8-30921841-C-T.
Identifiers: ClinVar variation 2027384 (VCV002027384.4), dbSNP rs2535880770, ClinGen allele CA460219680.

ClinVar aggregate classification (germline): Uncertain significance (1 of 4 stars; one submission).

Conditions:
Werner syndrome (WRN). Identifiers: Orphanet 902, MedGen C0043119, MONDO:0010196, OMIM 277700.

gnomAD v4.1: 1 of 1,614,082 alleles (0.000062%); highest among the groups gnomAD compares: South Asian, 0.0011%; no homozygotes.

Submission:

Labcorp Genetics (formerly Invitae), Labcorp
Classification: Uncertain significance for Werner syndrome. Last evaluated: 2022-08-27. Review status: criteria provided, single submitter. Criteria: Invitae Variant Classification Sherloc (09022015). Collection method: clinical testing. Allele origin: germline.
Comment: Algorithms developed to predict the effect of sequence changes on RNA splicing suggest that this variant may disrupt the consensus splice site. In summary, the available evidence is currently insufficient to determine the role of this variant in disease. Therefore, it has been classified as a Variant of Uncertain Significance. This sequence change affects codon 82 of the WRN mRNA. It is a 'silent' change, meaning that it does not change the encoded amino acid sequence of the WRN protein. This variant is not present in population databases (gnomAD no frequency). This variant has not been reported in the literature in individuals affected with WRN-related conditions.